The following is an entry in ClinVar:

ClinVar aggregate classification (germline): Uncertain significance (1 of 4 stars; one submission).

Submission:

Labcorp Genetics (formerly Invitae), Labcorp
Classification: Uncertain significance. Last evaluated: 2024-02-26. Review status: criteria provided, single submitter. Criteria: Invitae Variant Classification Sherloc (09022015). Collection method: clinical testing. Allele origin: germline.
Comment: This sequence change replaces lysine, which is basic and polar, with glutamic acid, which is acidic and polar, at codon 874 of the EIF2AK3 protein (p.Lys874Glu). This variant is not present in population databases (gnomAD no frequency). This variant has not been reported in the literature in individuals affected with EIF2AK3-related conditions. ClinVar contains an entry for this variant (Variation ID: 1442329). An algorithm developed to predict the effect of missense changes on protein structure and function (PolyPhen-2) suggests that this variant is likely to be tolerated. In summary, the available evidence is currently insufficient to determine the role of this variant in disease. Therefore, it has been classified as a Variant of Uncertain Significance.

NM_004836.7(EIF2AK3):c.2620A>G (p.Lys874Glu)

Genes: EIF2AK3 (eukaryotic translation initiation factor 2 alpha kinase 3; minus strand), EIF2AK3-AS1 (EIF2AK3 antisense RNA 1; plus strand). Cytogenetic location: 2p11.2.
Variant type: single nucleotide variant.
Coding change: c.2620A>G on transcript NM_004836.7 (MANE Select); coding-DNA position 2620, A replaced by G.
Protein change: p.Lys874Glu; replaces lysine 874 with glutamic acid.
Molecular consequence: missense variant. On other transcripts: non-coding transcript variant (1).
Genome position (GRCh38, 1-based): chr2:88,574,863, T>C on the plus strand (A>G on the coding strand, the complement: EIF2AK3 is on the minus strand). VCF-style: chr2-88574863-T-C. GRCh37 (hg19) VCF-style: chr2-88874381-T-C.
Other names: c.2167A>G, p.Lys723Glu (NM_001313915.2); short protein forms K723E, K874E.
Identifiers: ClinVar variation 1442329 (VCV001442329.6), dbSNP rs1573392756, ClinGen allele CA347590022.
Genomic context (GRCh38, chr2:88,574,863, plus strand): 5'-CTTTTCTGCACAGCTGCATTTGAATGTAAAGATACACCTTTGGTGAACTGGGCTGGAGTT[T>C]TTCTGTGGTGTTTTTAGTGAGATCTAAACTTAAAGTGGTTGGTCTTGGAGGAGAAATAGA-3'
Protein context (NP_004827.4, residues 864-884): SLDLTKNTTE[Lys874Glu]LQPSSPKVYL